The following is an entry in ClinVar:

ClinVar aggregate classification (germline): Likely pathogenic (1 of 4 stars; one submission).

gnomAD v4.1: 1 of 1,609,152 alleles (0.000062%); highest among the groups gnomAD compares: African/African-American, 0.0013%; no homozygotes.

Submission:

GeneDx
Classification: Likely pathogenic. Last evaluated: 2018-08-05. Review status: criteria provided, single submitter. Criteria: GeneDx Variant Classification (06012015). Collection method: clinical testing. Allele origin: germline. Affected: yes.
Comment: The R19X variant in the IARS2 gene has not been reported previously as a pathogenic variant nor as a benign variant, to our knowledge. This variant is predicted to cause loss of normal protein function either through protein truncation or nonsense-mediated mRNA decay. The R19X variant is not observed in large population cohorts (Lek et al., 2016). We interpret R19X as a likely pathogenic variant.

NM_018060.4(IARS2):c.55C>T (p.Arg19Ter)

Genes: IARS2 (isoleucyl-tRNA synthetase 2, mitochondrial; plus strand), LOC129932529 (ATAC-STARR-seq lymphoblastoid silent region 1823; plus strand). Cytogenetic location: 1q41.
Variant type: single nucleotide variant.
Coding change: c.55C>T on transcript NM_018060.4 (MANE Select); coding-DNA position 55, C replaced by T.
Protein change: p.Arg19Ter; replaces arginine 19 with a stop codon.
Molecular consequence: nonsense.
Genome position (GRCh38, 1-based): chr1:220,094,271, C>T. VCF-style: chr1-220094271-C-T. GRCh37 (hg19) VCF-style: chr1-220267613-C-T.
Other names: short protein forms R19*.
Identifiers: ClinVar variation 488929 (VCV000488929.2), dbSNP rs773732328, ClinGen allele CA344619012.